The following is an entry in ClinVar:

ClinVar aggregate classification (germline): Uncertain significance. Review status: criteria provided, multiple submitters, no conflicts (2 of 4 stars). 2 submissions from 2 submitters: Uncertain significance (2). Last evaluated 2025-04-17.

Allele frequency attached by ClinVar (database versions not stated): gnomAD 0.00002 and 0.00003; TOPMed 0.00002; gnomAD exomes 0.00006; ExAC 0.00014; 1000 Genomes Project 30x 0.00016.
gnomAD v4.1: 78 of 1,530,958 alleles (0.0051%); highest among the groups gnomAD compares: Middle Eastern, 0.018%; no homozygotes.

Submissions (2):

Labcorp Genetics (formerly Invitae), Labcorp
Classification: Uncertain significance. Last evaluated: 2025-04-17. Review status: criteria provided, single submitter. Criteria: Invitae Variant Classification Sherloc (09022015). Collection method: clinical testing. Allele origin: germline.
Comment: This sequence change replaces proline, which is neutral and non-polar, with leucine, which is neutral and non-polar, at codon 512 of the SAMD11 protein (p.Pro512Leu). This variant is present in population databases (rs181205550, gnomAD 0.02%). This variant has not been reported in the literature in individuals affected with SAMD11-related conditions. ClinVar contains an entry for this variant (Variation ID: 854379). An algorithm developed to predict the effect of missense changes on protein structure and function (PolyPhen-2) suggests that this variant is likely to be disruptive. In summary, the available evidence is currently insufficient to determine the role of this variant in disease. Therefore, it has been classified as a Variant of Uncertain Significance.

Blueprint Genetics
Classification: Uncertain significance. Last evaluated: 2023-06-28. Review status: criteria provided, single submitter. Criteria: ACMG Guidelines, 2015. Collection method: clinical testing. Allele origin: germline.

NM_001385641.1(SAMD11):c.2024C>T (p.Pro675Leu)

Gene: SAMD11 (sterile alpha motif domain containing 11; plus strand). Cytogenetic location: 1p36.33.
Variant type: single nucleotide variant.
Coding change: c.2024C>T on transcript NM_001385641.1 (MANE Select); coding-DNA position 2024, C replaced by T.
Protein change: p.Pro675Leu; replaces proline 675 with leucine.
Molecular consequence: missense variant.
Genome position (GRCh38, 1-based): chr1:943,029, C>T. VCF-style: chr1-943029-C-T. GRCh37 (hg19) VCF-style: chr1-878409-C-T.
Other names: c.2027C>T, p.Pro676Leu (NM_001385640.1); c.1535C>T, p.Pro512Leu (NM_152486.4); short protein forms P512L, P675L, P676L.
Identifiers: ClinVar variation 854379 (VCV000854379.9), dbSNP rs181205550, ClinGen allele CA503060.